The following is an entry in ClinVar:

NM_031220.4(PITPNM3):c.2683A>G (p.Lys895Glu)

Gene: PITPNM3 (PITPNM family member 3; minus strand). Cytogenetic location: 17p13.2.
Variant type: single nucleotide variant.
Coding change: c.2683A>G on transcript NM_031220.4 (MANE Select); coding-DNA position 2683, A replaced by G.
Protein change: p.Lys895Glu; replaces lysine 895 with glutamic acid.
Molecular consequence: missense variant.
Genome position (GRCh38, 1-based): chr17:6,455,580, T>C on the plus strand (A>G on the coding strand, the complement: PITPNM3 is on the minus strand). VCF-style: chr17-6455580-T-C. GRCh37 (hg19) VCF-style: chr17-6358900-T-C.
Other names: c.2575A>G, p.Lys859Glu (NM_001165966.2); short protein forms K895E, K859E.
Identifiers: ClinVar variation 1357146 (VCV001357146.6), dbSNP rs1183756027, ClinGen allele CA397401179.

ClinVar aggregate classification (germline): Uncertain significance (1 of 4 stars; one submission).

gnomAD v4.1: 2 of 1,597,558 alleles (0.00013%); highest among the groups gnomAD compares: Non-Finnish European, 0.000085%; no homozygotes.

Submission:

Labcorp Genetics (formerly Invitae), Labcorp
Classification: Uncertain significance. Last evaluated: 2024-11-11. Review status: criteria provided, single submitter. Criteria: Invitae Variant Classification Sherloc (09022015). Collection method: clinical testing. Allele origin: germline.
Comment: This sequence change replaces lysine, which is basic and polar, with glutamic acid, which is acidic and polar, at codon 895 of the PITPNM3 protein (p.Lys895Glu). This variant is not present in population databases (gnomAD no frequency). This variant has not been reported in the literature in individuals affected with PITPNM3-related conditions. ClinVar contains an entry for this variant (Variation ID: 1357146). Invitae Evidence Modeling of protein sequence and biophysical properties (such as structural, functional, and spatial information, amino acid conservation, physicochemical variation, residue mobility, and thermodynamic stability) indicates that this missense variant is not expected to disrupt PITPNM3 protein function with a negative predictive value of 80%. In summary, the available evidence is currently insufficient to determine the role of this variant in disease. Therefore, it has been classified as a Variant of Uncertain Significance.